The following is an entry in ClinVar:

NM_001267550.2(TTN):c.12823C>T (p.Leu4275Phe)

Gene: TTN (titin; minus strand). Cytogenetic location: 2q31.2.
Variant type: single nucleotide variant.
Coding change: c.12823C>T on transcript NM_001267550.2 (MANE Select); coding-DNA position 12823, C replaced by T.
Protein change: p.Leu4275Phe; replaces leucine 4275 with phenylalanine.
Molecular consequence: missense variant. On other transcripts: intron variant (1).
Genome position (GRCh38, 1-based): chr2:178,740,410, G>A on the plus strand (C>T on the coding strand, the complement: TTN is on the minus strand). VCF-style: chr2-178740410-G-A. GRCh37 (hg19) VCF-style: chr2-179605137-G-A.
Other names: c.11872C>T, p.Leu3958Phe (NM_001256850.1); c.11734C>T, p.Leu3912Phe (NM_003319.4); c.12109C>T, p.Leu4037Phe (NM_133432.3); c.12310C>T, p.Leu4104Phe (NM_133437.4); c.10361-2050C>T (NM_133378.4); short protein forms L4275F, L3958F, L3912F, L4104F, L4037F.
Identifiers: ClinVar variation 283660 (VCV000283660.8), dbSNP rs773905874, ClinGen allele CA2002664.

ClinVar aggregate classification (germline): Uncertain significance. Review status: criteria provided, multiple submitters, no conflicts (2 of 4 stars). 3 submissions from 3 submitters: Uncertain significance (3). Last evaluated 2026-06-16.

Conditions:
TTN-related disorder. Also called: TTN-related condition; TTN-related disease; TTN-related disorders.
Dilated cardiomyopathy 1G (CMD1G). Identifiers: Orphanet 154, MedGen C1858763, MONDO:0011400, OMIM 604145.
Autosomal recessive limb-girdle muscular dystrophy type 2J (LGMDR10). Also called: Limb-girdle muscular dystrophy, type 2J; MUSCULAR DYSTROPHY, LIMB-GIRDLE, AUTOSOMAL RECESSIVE 10. Identifiers: Orphanet 140922, MedGen C1837342, MONDO:0012127, OMIM 608807.

Allele frequency attached by ClinVar (database versions not stated): gnomAD exomes below 0.00001; ExAC 0.00001.
gnomAD v4.1: 1 of 1,613,090 alleles (0.000062%); highest among the groups gnomAD compares: Non-Finnish European, 0.000085%; no homozygotes.

Submissions (3):

PreventionGenetics, part of Exact Sciences
Classification: Uncertain significance for TTN-related condition. Last evaluated: 2026-06-16. Review status: criteria provided, single submitter. Criteria: ACMG Guidelines, 2015. Collection method: clinical testing. Allele origin: germline.
Comment: The TTN c.12823C>T variant is predicted to result in the amino acid substitution p.Leu4275Phe. To our knowledge, this variant has not been reported in the literature. This variant is reported in 0.00089% of alleles in individuals of European (Non-Finnish) descent in gnomAD. At this time, the clinical significance of this variant is uncertain due to the absence of conclusive functional and genetic evidence.

Labcorp Genetics (formerly Invitae), Labcorp
Classification: Uncertain significance for Dilated cardiomyopathy 1G; Autosomal recessive limb-girdle muscular dystrophy type 2J. Last evaluated: 2017-05-31. Review status: criteria provided, single submitter. Criteria: Invitae Variant Classification Sherloc (09022015). Collection method: clinical testing. Allele origin: germline.

Eurofins Ntd Llc (ga)
Classification: Uncertain significance. Last evaluated: 2015-09-25. Review status: criteria provided, single submitter. Criteria: EGL Classification Definitions 2015. Collection method: clinical testing. Allele origin: germline. Observed: 1 variant allele, 1 heterozygote.